The following is an entry in ClinVar:

NM_030962.4(SBF2):c.2831G>A (p.Ser944Asn)

Genes: SBF2 (SET binding factor 2; minus strand), LOC101928008 (uncharacterized LOC101928008; plus strand). Cytogenetic location: 11p15.4.
Variant type: single nucleotide variant.
Coding change: c.2831G>A on transcript NM_030962.4 (MANE Select); coding-DNA position 2831, G replaced by A.
Protein change: p.Ser944Asn; replaces serine 944 with asparagine.
Molecular consequence: missense variant.
Genome position (GRCh38, 1-based): chr11:9,847,059, C>T on the plus strand (G>A on the coding strand, the complement: SBF2 is on the minus strand). VCF-style: chr11-9847059-C-T. GRCh37 (hg19) VCF-style: chr11-9868606-C-T.
Other names: c.2831G>A, p.Ser944Asn (NM_001386339.1); c.2702G>A, p.Ser901Asn (NM_001386342.1); short protein forms S901N, S944N.
Identifiers: ClinVar variation 1796600 (VCV001796600.2), dbSNP rs767683060, ClinGen allele CA5881432.
Genomic context (GRCh38, chr11:9,847,059, plus strand): 5'-TGCTGTAGCTGGTTCTGCATTGTAATCTTCTTCTCCTTGGTGATGGAGGCAATGGGAAAG[C>T]TCCGCACAACTGTCTGCTCACCCACTGTAAATAGACAGGACACAGCTTCAGCAACAACAC-3'
Protein context (NP_112224.1, residues 934-954): QLVGEQTVVR[Ser944Asn]FPIASITKEK

ClinVar aggregate classification (germline): Uncertain significance (1 of 4 stars; one submission).

Conditions:
Inborn genetic diseases. Identifiers: MedGen C0950123, MeSH D030342.

Allele frequency attached by ClinVar (database versions not stated): ExAC 0.00002.
gnomAD v4.1: 7 of 1,613,772 alleles (0.00043%); highest among the groups gnomAD compares: South Asian, 0.0011%; no homozygotes.

Submission:

Ambry Genetics
Classification: Uncertain significance for Inborn genetic diseases. Last evaluated: 2019-12-06. Review status: criteria provided, single submitter. Criteria: Ambry Variant Classification Scheme 2023. Collection method: clinical testing. Allele origin: germline.
Comment: The p.S944N variant (also known as c.2831G>A), located in coding exon 23 of the SBF2 gene, results from a G to A substitution at nucleotide position 2831. The serine at codon 944 is replaced by asparagine, an amino acid with highly similar properties. This amino acid position is well conserved in available vertebrate species. In addition, the in silico prediction for this alteration is inconclusive. Since supporting evidence is limited at this time, the clinical significance of this alteration remains unclear.